The following is an entry in ClinVar:

NM_006623.4(PHGDH):c.856G>C (p.Ala286Pro)

Gene: PHGDH (phosphoglycerate dehydrogenase; plus strand). Cytogenetic location: 1p12.
Variant type: single nucleotide variant.
Coding change: c.856G>C on transcript NM_006623.4 (MANE Select); coding-DNA position 856, G replaced by C.
Protein change: p.Ala286Pro; replaces alanine 286 with proline.
Molecular consequence: missense variant.
Genome position (GRCh38, 1-based): chr1:119,737,177, G>C. VCF-style: chr1-119737177-G-C. GRCh37 (hg19) VCF-style: chr1-120279800-G-C.
Other names: short protein forms A286P.
Identifiers: ClinVar variation 156361 (VCV000156361.3), dbSNP rs587777775, ClinGen allele CA170846.
Genomic context (GRCh38, chr1:119,737,177, plus strand): 5'-CCGCCACGGGACCGGGCCTTGGTGGACCATGAGAATGTCATCAGCTGTCCCCACCTGGGT[G>C]CCAGCACCAAGGAGGCTCAGAGCCGCTGTGGGGAGGAAATTGCTGTTCAGTTCGTGGACA-3'
Protein context (NP_006614.2, residues 276-296): ENVISCPHLG[Ala286Pro]STKEAQSRCG

ClinVar aggregate classification (germline): Uncertain significance. Review status: criteria provided, single submitter (1 of 4 stars). 2 submissions from 2 submitters: Uncertain significance (1). 1 of the submissions does not count toward it. Last evaluated 2024-12-26.

Conditions:
Neu-Laxova syndrome 1 (NLS1). Identifiers: Orphanet 2671, Orphanet 583607, MedGen C4551478, MONDO:0009736, OMIM 256520. Disease mechanism: loss of function.

Submissions (2):

Women's Health and Genetics/Laboratory Corporation of America, LabCorp
Classification: Uncertain significance. Last evaluated: 2024-12-26. Review status: criteria provided, single submitter. Criteria: LabCorp Variant Classification Summary - May 2015. Collection method: clinical testing. Allele origin: germline.
Comment: Variant summary: PHGDH c.856G>C (p.Ala286Pro) results in a non-conservative amino acid change located in the D-isomer specific 2-hydroxyacid dehydrogenase, catalytic domain (IPR006139) of the encoded protein sequence. Five of five in-silico tools predict a damaging effect of the variant on protein function. The variant was absent in 251372 control chromosomes. c.856G>C has been reported in the literature in a homozygous individual affected with Phosphoglycerate Dehydrogenase Deficiency (Acuna-Hidalgo_2014). These data indicate that the variant may be associated with disease. To our knowledge, no experimental evidence demonstrating an impact on protein function has been reported. The following publication have been ascertained in the context of this evaluation (PMID: 25152457). ClinVar contains an entry for this variant (Variation ID: 156361). Based on the evidence outlined above, the variant was classified as VUS-possibly pathogenic.

OMIM
Classification: Pathogenic for NEU-LAXOVA SYNDROME 1. Last evaluated: 2014-09-04. Review status: no assertion criteria provided. Collection method: literature only. Allele origin: germline. Not counted in ClinVar's aggregate classification.

Literature cited by the submitters: PubMed 25152457 (cited by Women's Health and Genetics/Laboratory Corporation of America, LabCorp and OMIM).